The following is an entry in ClinVar:

NM_020365.5(EIF2B3):c.134G>A (p.Arg45His)

Gene: EIF2B3 (eukaryotic translation initiation factor 2B subunit gamma; minus strand). Cytogenetic location: 1p34.1.
Variant type: single nucleotide variant.
Coding change: c.134G>A on transcript NM_020365.5 (MANE Select); coding-DNA position 134, G replaced by A.
Protein change: p.Arg45His; replaces arginine 45 with histidine.
Molecular consequence: missense variant.
Genome position (GRCh38, 1-based): chr1:44,981,035, C>T on the plus strand (G>A on the coding strand, the complement: EIF2B3 is on the minus strand). VCF-style: chr1-44981035-C-T. GRCh37 (hg19) VCF-style: chr1-45446707-C-T.
Other names: c.134G>A (NM_020365.3); c.134G>A, p.Arg45His (NM_001166588.3, NM_001261418.2); short protein forms R45H.
Identifiers: ClinVar variation 876174 (VCV000876174.11), dbSNP rs139445917, ClinGen allele CA824104.

ClinVar aggregate classification (germline): Uncertain significance. Review status: criteria provided, multiple submitters, no conflicts (2 of 4 stars). 7 submissions from 7 submitters: Uncertain significance (6). 1 of the submissions does not count toward it. Last evaluated 2024-11-21.

Conditions:
Vanishing white matter disease. Also called: CACH syndrome; Childhood ataxia with diffuse central nervous system hypomyelination; Leukoencephalopathy with vanishing white matter; CACH/VWM syndrome; Cree leukoencehalopathy. Identifiers: Orphanet 135, Orphanet 99853, MedGen C1858991, MONDO:0800448.
EIF2B3-related disorder. Also called: EIF2B3-related condition.
Leukoencephalopathy with vanishing white matter 3 (VWM3). Also called: EIF2B3-Related Childhood Ataxia with Central Nervous System Hypomyelination/Vanishing White Matter; Leukoencephalopathy with vanishing white matter 3, with or without ovarian failure. Identifiers: MedGen C5830405, MONDO:0957871, OMIM 620313.
Inborn genetic diseases. Identifiers: MedGen C0950123, MeSH D030342.

Allele frequency attached by ClinVar (database versions not stated): gnomAD 0.00014 and 0.00019; ESP Exome Variant Server 0.00015; 1000 Genomes Project 30x 0.00016; 1000 Genomes Project 0.00020; ExAC 0.00023; TOPMed 0.00023.
gnomAD v4.1: 335 of 1,613,658 alleles (0.021%); highest among the groups gnomAD compares: Middle Eastern, 0.73%; 2 homozygotes.

Submissions (7):

Blueprint Genetics
Classification: Uncertain significance. Last evaluated: 2024-11-21. Review status: criteria provided, single submitter. Criteria: ACMG Guidelines, 2015. Collection method: clinical testing. Allele origin: germline.

Labcorp Genetics (formerly Invitae), Labcorp
Classification: Uncertain significance. Last evaluated: 2022-09-19. Review status: criteria provided, single submitter. Criteria: Invitae Variant Classification Sherloc (09022015). Collection method: clinical testing. Allele origin: germline.
Comment: This sequence change replaces arginine, which is basic and polar, with histidine, which is basic and polar, at codon 45 of the EIF2B3 protein (p.Arg45His). This variant is present in population databases (rs139445917, gnomAD 0.05%). This missense change has been observed in individual(s) with infantile encephalopathy with epilepsy and dysmorphic corpus callosum (PMID: 23932106). ClinVar contains an entry for this variant (Variation ID: 876174). Advanced modeling of protein sequence and biophysical properties (such as structural, functional, and spatial information, amino acid conservation, physicochemical variation, residue mobility, and thermodynamic stability) performed at Invitae indicates that this missense variant is not expected to disrupt EIF2B3 protein function. In summary, the available evidence is currently insufficient to determine the role of this variant in disease. Therefore, it has been classified as a Variant of Uncertain Significance.

Ambry Genetics
Classification: Uncertain significance for Inborn genetic diseases. Last evaluated: 2022-08-24. Review status: criteria provided, single submitter. Criteria: Ambry Variant Classification Scheme 2023. Collection method: clinical testing. Allele origin: germline.

Illumina Laboratory Services, Illumina
Classification: Uncertain significance for Leukoencephalopathy with vanishing white matter 1. Last evaluated: 2017-04-28. Review status: criteria provided, single submitter. Criteria: ICSL Variant Classification Criteria 13 December 2019. Collection method: clinical testing. Allele origin: germline.
Comment: This variant was observed as part of a predisposition screen in an ostensibly healthy population. A literature search was performed for the gene, cDNA change, and amino acid change (where applicable). Publications were found based on this search. However, the evidence from the literature, in combination with allele frequency data from public databases where available, was not sufficient to rule this variant in or out of causing disease. Therefore, this variant is classified as a variant of unknown significance.

Breakthrough Genomics
Classification: Uncertain significance. Review status: criteria provided, single submitter. Criteria: ACMG Guidelines, 2015. Collection method: not provided. Allele origin: germline. Inheritance: Autosomal recessive inheritance. Affected: yes.

Neuberg Centre For Genomic Medicine, NCGM
Classification: Uncertain significance for Leukoencephalopathy with vanishing white matter 3. Review status: criteria provided, single submitter. Criteria: ACMG Guidelines, 2015. Collection method: clinical testing. Allele origin: germline. Inheritance: Autosomal recessive inheritance. Affected: yes.

PreventionGenetics, part of Exact Sciences
Classification: Uncertain significance for EIF2B3-related condition. Last evaluated: 2024-07-02. Review status: no assertion criteria provided. Collection method: clinical testing. Allele origin: germline. Not counted in ClinVar's aggregate classification.
Comment: The EIF2B3 c.134G>A variant is predicted to result in the amino acid substitution p.Arg45His. This variant was reported in the homozygous state in an individual with early-onset epileptic encephalopathy and was interpreted as a variant of uncertain significance (Basel-Vanagaite et al. 2013. PubMed ID: 23932106). This variant was also reported in the heterozygous state in an individual with premature ovarian failure (Turkyilmaz et al. 2022. PubMed ID: 35066699). This variant is reported in 0.046% of alleles in individuals of South Asian descent in gnomAD. At this time, the clinical significance of this variant is uncertain due to the absence of conclusive functional and genetic evidence.

Literature cited by the submitters: PubMed 23932106 (cited by 3 submitters).